The following is an entry in ClinVar:

NM_016169.4(SUFU):c.305A>G (p.Asn102Ser)

Gene: SUFU (SUFU negative regulator of hedgehog signaling; plus strand). Cytogenetic location: 10q24.32.
Variant type: single nucleotide variant.
Coding change: c.305A>G on transcript NM_016169.4 (MANE Select); coding-DNA position 305, A replaced by G.
Protein change: p.Asn102Ser; replaces asparagine 102 with serine.
Molecular consequence: missense variant.
Genome position (GRCh38, 1-based): chr10:102,509,291, A>G. VCF-style: chr10-102509291-A-G. GRCh37 (hg19) VCF-style: chr10-104269048-A-G.
Other names: c.305A>G (NM_016169.3); c.305A>G, p.Asn102Ser (NM_001178133.2); short protein forms N102S.
Identifiers: ClinVar variation 1024839 (VCV001024839.11), dbSNP rs146181245, ClinGen allele CA5667644.
Genomic context (GRCh38, chr10:102,509,291, plus strand): 5'-CTAACATCCCCGAGCACTGGCACTACATCAGCTTCGGCCTGAGTGATCTCTATGGTGACA[A>G]CAGAGTCCATGAGTGAGTATATGCCACCTGTTCTTTATCCAGAGCCTTATTCCTGAGGTC-3'
Protein context (NP_057253.2, residues 92-112): SFGLSDLYGD[Asn102Ser]RVHEFTGTDG

ClinVar aggregate classification (germline): Conflicting classifications of pathogenicity. Review status: criteria provided, conflicting classifications (1 of 4 stars). 2 submissions from 2 submitters: Uncertain significance (1); Likely benign (1). Last evaluated 2026-01-12.

Conditions:
Medulloblastoma (MDB). Also called: Medulloblastoma, somatic; MEDULLOBLASTOMA PREDISPOSITION SYNDROME. Identifiers: Orphanet 616, MedGen C0025149, MeSH D008527, MONDO:0007959, OMIM 155255, HP:0002885.
Gorlin syndrome. Also called: Nevoid Basal Cell Carcinoma Syndrome; Basal cell nevus syndrome. Identifiers: Orphanet 377, MedGen C0004779, MONDO:0007187.
Hereditary cancer-predisposing syndrome. Also called: Hereditary neoplastic syndrome; Neoplastic Syndromes, Hereditary; Tumor predisposition; Hereditary Cancer Syndrome. Identifiers: Orphanet 140162, MedGen C0027672, MeSH D009386, MONDO:0015356.

Allele frequency attached by ClinVar (database versions not stated): gnomAD exomes below 0.00001 and 0.00001; TOPMed below 0.00001; ExAC 0.00001.

Submissions (2):

Labcorp Genetics (formerly Invitae), Labcorp
Classification: Uncertain significance for Gorlin syndrome; Medulloblastoma. Last evaluated: 2026-01-12. Review status: criteria provided, single submitter. Criteria: Invitae Variant Classification Sherloc (09022015). Collection method: clinical testing. Allele origin: germline.
Comment: This sequence change replaces asparagine, which is neutral and polar, with serine, which is neutral and polar, at codon 102 of the SUFU protein (p.Asn102Ser). This variant is not present in population databases (gnomAD no frequency). This variant has not been reported in the literature in individuals affected with SUFU-related conditions. ClinVar contains an entry for this variant (Variation ID: 1024839). Invitae Evidence Modeling of protein sequence and biophysical properties (such as structural, functional, and spatial information, amino acid conservation, physicochemical variation, residue mobility, and thermodynamic stability) indicates that this missense variant is not expected to disrupt SUFU protein function with a negative predictive value of 80%. In summary, the available evidence is currently insufficient to determine the role of this variant in disease. Therefore, it has been classified as a Variant of Uncertain Significance.

Ambry Genetics
Classification: Likely benign for Hereditary cancer-predisposing syndrome. Last evaluated: 2023-04-28. Review status: criteria provided, single submitter. Criteria: Ambry Variant Classification Scheme 2023. Collection method: clinical testing. Allele origin: germline.